The following is an entry in ClinVar:

ClinVar aggregate classification (germline): Uncertain significance (1 of 4 stars; one submission).

gnomAD v4.1: 74 of 1,614,172 alleles (0.0046%); highest among the groups gnomAD compares: Non-Finnish European, 0.006%; no homozygotes.

Submission:

Women's Health and Genetics/Laboratory Corporation of America, LabCorp
Classification: Uncertain significance. Last evaluated: 2026-06-18. Review status: criteria provided, single submitter. Criteria: LabCorp Variant Classification Summary - May 2015. Collection method: clinical testing. Allele origin: germline.
Comment: Variant summary: VWF c.1432G>C (p.Gly478Arg) results in a non-conservative amino acid change in the encoded protein sequence. Algorithms developed to predict the effect of missense changes on protein structure and function are either unavailable or do not agree on the potential impact of this missense change. Several computational tools predict a significant impact on normal splicing: Five predict the variant weakens the canonical 5' donor site. However, these predictions have yet to be confirmed by functional studies. The variant allele was found at a frequency of 4e-06 in 250424 control chromosomes. The available data on variant occurrences in the general population are insufficient to allow any conclusion about variant significance. To our knowledge, no occurrence of c.1432G>C in individuals affected with VWF-related conditions and no experimental evidence demonstrating its impact on protein function have been reported. No submitters have cited clinical-significance assessments for this variant to ClinVar. Based on the evidence outlined above, the variant was classified as uncertain significance.

NM_000552.5(VWF):c.1432G>C (p.Gly478Arg)

Gene: VWF (von Willebrand factor; minus strand). Cytogenetic location: 12p13.31.
Variant type: single nucleotide variant.
Coding change: c.1432G>C on transcript NM_000552.5 (MANE Select); coding-DNA position 1432, G replaced by C.
Protein change: p.Gly478Arg; replaces glycine 478 with arginine.
Molecular consequence: missense variant.
Genome position (GRCh38, 1-based): chr12:6,064,246, C>G on the plus strand (G>C on the coding strand, the complement: VWF is on the minus strand). VCF-style: chr12-6064246-C-G. GRCh37 (hg19) VCF-style: chr12-6173412-C-G.
Other names: short protein forms G478R.
Identifiers: ClinVar variation 4887151 (VCV004887151.1).
Genomic context (GRCh38, chr12:6,064,246, plus strand): 5'-GAGGGTGCTAAGGGATGGGCTGTGCCAGCCCCAGGCCTGATGGAGCAGGACGAAGCATAC[C>G]TTTCAGGAGGGGGAGCTGGACGTCCTGGCCATCCATGGCAACTCCTGCCCCATGCTTCAG-3'
Protein context (NP_000543.3, residues 468-488): GQDVQLPLLK[Gly478Arg]DLRIQHTVTA